The following is an entry in ClinVar:

NM_177550.5(SLC13A5):c.305G>A (p.Arg102His)

Gene: SLC13A5 (solute carrier family 13 member 5; minus strand). Cytogenetic location: 17p13.1.
Variant type: single nucleotide variant.
Coding change: c.305G>A on transcript NM_177550.5 (MANE Select); coding-DNA position 305, G replaced by A.
Protein change: p.Arg102His; replaces arginine 102 with histidine.
Molecular consequence: missense variant.
Genome position (GRCh38, 1-based): chr17:6,706,705, C>T on the plus strand (G>A on the coding strand, the complement: SLC13A5 is on the minus strand). VCF-style: chr17-6706705-C-T. GRCh37 (hg19) VCF-style: chr17-6610024-C-T.
Other names: c.305G>A, p.Arg102His (NM_001143838.3, NM_001284509.2); c.176G>A, p.Arg59His (NM_001284510.2); short protein forms R102H, R59H.
Identifiers: ClinVar variation 541963 (VCV000541963.12), dbSNP rs764688100, ClinGen allele CA8331782.
Genomic context (GRCh38, chr17:6,706,705, plus strand): 5'-GCAGGCTTGGCCCCCACCCAGAGGAGCGTGCGCAGGGCGATCCTCTTGTGCAGGTTCCAG[C>T]GCTCCACAGCCACGGCCACGATGAGGCCGCCCAGGAACAGCATGTTGGTGTCCTTCATGT-3'
Protein context (NP_808218.1, residues 92-112): GGLIVAVAVE[Arg102His]WNLHKRIALR

ClinVar aggregate classification (germline): Conflicting classifications of pathogenicity. Review status: criteria provided, conflicting classifications (1 of 4 stars). 5 submissions from 5 submitters: Uncertain significance (4); Likely benign (1). Last evaluated 2022-07-22.

Conditions:
Developmental and epileptic encephalopathy, 25 (DEE25). Also called: Developmental and epileptic encephalopathy 25, with amelogenesis imperfecta; Epileptic encephalopathy, early infantile, 25, with amelogenesis imperfecta; Epileptic encephalopathy, early infantile, 25. Identifiers: Orphanet 442835, MedGen C4014621, MONDO:0014392, OMIM 615905.
Inborn genetic diseases. Identifiers: MedGen C0950123, MeSH D030342.

Allele frequency attached by ClinVar (database versions not stated): gnomAD 0.00001 and 0.00003; ExAC 0.00002; gnomAD exomes 0.00004; TOPMed 0.00006.
gnomAD v4.1: 39 of 1,613,834 alleles (0.0024%); highest among the groups gnomAD compares: Admixed American, 0.015%; no homozygotes.

Submissions (5):

Labcorp Genetics (formerly Invitae), Labcorp
Classification: Uncertain significance for Developmental and epileptic encephalopathy, 25. Last evaluated: 2022-07-22. Review status: criteria provided, single submitter. Criteria: Invitae Variant Classification Sherloc (09022015). Collection method: clinical testing. Allele origin: germline.
Comment: This sequence change replaces arginine, which is basic and polar, with histidine, which is basic and polar, at codon 102 of the SLC13A5 protein (p.Arg102His). This variant is present in population databases (rs764688100, gnomAD 0.02%). This variant has not been reported in the literature in individuals affected with SLC13A5-related conditions. ClinVar contains an entry for this variant (Variation ID: 541963). Algorithms developed to predict the effect of missense changes on protein structure and function output the following: SIFT: "Tolerated"; PolyPhen-2: "Benign"; Align-GVGD: "Class C0". The histidine amino acid residue is found in multiple mammalian species, which suggests that this missense change does not adversely affect protein function. In summary, the available evidence is currently insufficient to determine the role of this variant in disease. Therefore, it has been classified as a Variant of Uncertain Significance.

Ambry Genetics
Classification: Likely benign for Inborn genetic diseases. Last evaluated: 2021-10-20. Review status: criteria provided, single submitter. Criteria: Ambry Variant Classification Scheme 2023. Collection method: clinical testing. Allele origin: germline.

Genome-Nilou Lab
Classification: Uncertain significance for Developmental and epileptic encephalopathy, 25. Last evaluated: 2021-07-15. Review status: criteria provided, single submitter. Criteria: ACMG Guidelines, 2015. Collection method: clinical testing. Allele origin: germline. Affected: no.

GeneDx
Classification: Uncertain significance. Last evaluated: 2020-11-05. Review status: criteria provided, single submitter. Criteria: GeneDx Variant Classification Process June 2021. Collection method: clinical testing. Allele origin: germline. Affected: yes.
Comment: In silico analysis supports that this missense variant does not alter protein structure/function; Has not been previously published as pathogenic or benign to our knowledge

Baylor Genetics
Classification: Uncertain significance for Developmental and epileptic encephalopathy, 25. Last evaluated: 2019-03-21. Review status: criteria provided, single submitter. Criteria: ACMG Guidelines, 2015. Collection method: clinical testing. Allele origin: unknown. Affected: yes.
Comment: This variant was determined to be of uncertain significance according to ACMG Guidelines, 2015 [PMID:25741868].